The following is an entry in ClinVar:

NM_001042492.3(NF1):c.5314_5339del (p.Lys1771_Val1772insTer)

Gene: NF1 (neurofibromin 1; plus strand). Cytogenetic location: 17q11.2.
Variant type: Deletion.
Coding change: c.5314_5339del on transcript NM_001042492.3 (MANE Select); coding-DNA positions 5314 to 5339, 26 bases deleted (GTCCTAGGGCAATCAGTCTTTCTAAA).
Protein change: p.Lys1771_Val1772insTer.
Molecular consequence: nonsense. On other transcripts: frameshift variant (1).
Genome position (GRCh38, 1-based): chr17:31,327,544-31,327,569, GTCCTAGGGCAATCAGTCTTTCTAAA deleted; deleting any 26 consecutive bases within chr17:31,327,541-31,327,569 gives the same sequence; the c. name uses the placement nearest the transcript's 3' end. VCF-style (leftmost placement, unchanged base first): chr17-31327540-AAAAGTCCTAGGGCAATCAGTCTTTCT-A. GRCh37 (hg19) VCF-style: chr17-29654558-AAAAGTCCTAGGGCAATCAGTCTTTCT-A.
Other names: c.5251_5276del26, p.Val1751Terfs (NM_000267.4).
Identifiers: ClinVar variation 858878 (VCV000858878.7), dbSNP rs2069376426, ClinGen allele CA916080619.

ClinVar aggregate classification (germline): Pathogenic (1 of 4 stars; one submission).

Conditions:
Neurofibromatosis, type 1 (NF1). Also called: Neurofibromatosis, type I; VON RECKLINGHAUSEN DISEASE; Peripheral type neurofibromatosis; NEUROFIBROMATOSIS, TYPE I, SOMATIC. Identifiers: Orphanet 636, MedGen C0027831, MONDO:0018975, OMIM 162200. Disease mechanism: loss of function.

Submission:

Labcorp Genetics (formerly Invitae), Labcorp
Classification: Pathogenic for Neurofibromatosis, type 1. Last evaluated: 2019-12-27. Review status: criteria provided, single submitter. Criteria: Invitae Variant Classification Sherloc (09022015). Collection method: clinical testing. Allele origin: germline.
Comment: This variant has not been reported in the literature in individuals with NF1-related conditions. This variant is not present in population databases (ExAC no frequency). This sequence change creates a premature translational stop signal (p.Val1751*) in the NF1 gene. It is expected to result in an absent or disrupted protein product. Loss-of-function variants in NF1 are known to be pathogenic (PMID: 10712197, 23913538). For these reasons, this variant has been classified as Pathogenic.

Literature cited by the submitters: PubMed 10712197; PubMed 23913538.